The following is an entry in ClinVar:

ClinVar aggregate classification (germline): Conflicting classifications of pathogenicity. Review status: criteria provided, conflicting classifications (1 of 4 stars). 2 submissions from 2 submitters: Uncertain significance (1); Likely benign (1). Last evaluated 2023-08-01.

Allele frequency attached by ClinVar (database versions not stated): gnomAD 0.00002; ExAC 0.00006; gnomAD exomes 0.00006.
gnomAD v4.1: 94 of 1,613,496 alleles (0.0058%); highest among the groups gnomAD compares: East Asian, 0.0089%; no homozygotes.

Submissions (2):

CeGaT Center for Human Genetics Tuebingen
Classification: Likely benign. Last evaluated: 2023-08-01. Review status: criteria provided, single submitter. Criteria: CeGaT Center For Human Genetics Tuebingen Variant Classification Criteria Version 2. Collection method: clinical testing. Allele origin: germline. Affected: yes. Observed: 1 variant allele.
Comment: ARHGEF10: BP4

Labcorp Genetics (formerly Invitae), Labcorp
Classification: Uncertain significance. Last evaluated: 2023-07-25. Review status: criteria provided, single submitter. Criteria: Invitae Variant Classification Sherloc (09022015). Collection method: clinical testing. Allele origin: germline.
Comment: In summary, the available evidence is currently insufficient to determine the role of this variant in disease. Therefore, it has been classified as a Variant of Uncertain Significance. This sequence change replaces threonine, which is neutral and polar, with isoleucine, which is neutral and non-polar, at codon 510 of the ARHGEF10 protein (p.Thr510Ile). This variant is present in population databases (rs752621741, gnomAD 0.007%). This variant has not been reported in the literature in individuals affected with ARHGEF10-related conditions. Advanced modeling of protein sequence and biophysical properties (such as structural, functional, and spatial information, amino acid conservation, physicochemical variation, residue mobility, and thermodynamic stability) performed at Invitae indicates that this missense variant is not expected to disrupt ARHGEF10 protein function.

NM_014629.4(ARHGEF10):c.1529C>T (p.Thr510Ile)

Gene: ARHGEF10 (Rho guanine nucleotide exchange factor 10; plus strand). Cytogenetic location: 8p23.3.
Variant type: single nucleotide variant.
Coding change: c.1529C>T on transcript NM_014629.4 (MANE Select); coding-DNA position 1529, C replaced by T.
Protein change: p.Thr510Ile; replaces threonine 510 with isoleucine.
Molecular consequence: missense variant.
Genome position (GRCh38, 1-based): chr8:1,896,421, C>T. VCF-style: chr8-1896421-C-T. GRCh37 (hg19) VCF-style: chr8-1844587-C-T.
Other names: c.1415C>T, p.Thr472Ile (NM_001308152.2); c.1532C>T, p.Thr511Ile (NM_001308153.3); short protein forms T472I, T510I, T535I, T511I.
Identifiers: ClinVar variation 2658299 (VCV002658299.27), dbSNP rs752621741, ClinGen allele CA4600412.
Genomic context (GRCh38, chr8:1,896,421, plus strand): 5'-ACAGTGAATATGTGAACAATTTCAGCACAGCCGTGGCAGTCCTCAAGAAAACATGTGCCA[C>T]AAAGCCCGCTTTTCTTGAATTTTTAAAGGTAAGCGCTTTTTTTTTTCATTTGGGTTTTAA-3'
Protein context (NP_055444.2, residues 500-520): AVAVLKKTCA[Thr510Ile]KPAFLEFLKQ